The following is an entry in ClinVar:

ClinVar aggregate classification (germline): Uncertain significance (1 of 4 stars; one submission).

Submission:

Labcorp Genetics (formerly Invitae), Labcorp
Classification: Uncertain significance. Last evaluated: 2022-02-24. Review status: criteria provided, single submitter. Criteria: Invitae Variant Classification Sherloc (09022015). Collection method: clinical testing. Allele origin: germline.
Comment: In summary, the available evidence is currently insufficient to determine the role of this variant in disease. Therefore, it has been classified as a Variant of Uncertain Significance. Experimental studies and prediction algorithms are not available or were not evaluated, and the functional significance of this variant is currently unknown. This variant has not been reported in the literature in individuals affected with COL18A1-related conditions. This variant is not present in population databases (gnomAD no frequency). This sequence change replaces proline with glutamine at codon 52 of the COL18A1 protein (p.Pro52Gln). There is a moderate physicochemical difference between proline and glutamine.

NM_001379500.1(COL18A1):c.155C>A (p.Pro52Gln)

Gene: COL18A1 (collagen type XVIII alpha 1 chain; plus strand). Cytogenetic location: 21q22.3.
Variant type: single nucleotide variant.
Coding change: c.155C>A on transcript NM_001379500.1 (MANE Select); coding-DNA position 155, C replaced by A.
Protein change: p.Pro52Gln; replaces proline 52 with glutamine.
Molecular consequence: missense variant.
Genome position (GRCh38, 1-based): chr21:45,468,290, C>A. VCF-style: chr21-45468290-C-A. GRCh37 (hg19) VCF-style: chr21-46888204-C-A.
Other names: c.695C>A, p.Pro232Gln (NM_030582.4); c.1400C>A, p.Pro467Gln (NM_130444.3); short protein forms P467Q, P232Q, P52Q.
Identifiers: ClinVar variation 1426441 (VCV001426441.6), dbSNP rs529544471, ClinGen allele CA410511458.
Genomic context (GRCh38, chr21:45,468,290, plus strand): 5'-TTCTTTTTGCAGAGCGCATCAGCGAGGAGGTGGGGCTGCTGCAGCTCCTTGGGGACCCCC[C>A]GCCCCAGCAGGTCACCCAGACGGATGACCCCGACGTCGGGCTGGCCTACGTCTTTGGGCC-3'
Protein context (NP_001366429.1, residues 42-62): VGLLQLLGDP[Pro52Gln]PQQVTQTDDP